The following is an entry in ClinVar:

NM_018051.5(DYNC2I1):c.2558A>C (p.Lys853Thr)

Gene: DYNC2I1 (dynein 2 intermediate chain 1; plus strand). Cytogenetic location: 7q36.3.
Variant type: single nucleotide variant.
Coding change: c.2558A>C on transcript NM_018051.5 (MANE Select); coding-DNA position 2558, A replaced by C.
Protein change: p.Lys853Thr; replaces lysine 853 with threonine.
Molecular consequence: missense variant.
Genome position (GRCh38, 1-based): chr7:158,934,140, A>C. VCF-style: chr7-158934140-A-C. GRCh37 (hg19) VCF-style: chr7-158726831-A-C.
Other names: c.2420A>C, p.Lys807Thr (NM_001350914.2); c.1985A>C, p.Lys662Thr (NM_001350915.2); c.1097A>C, p.Lys366Thr (NM_001350916.2); c.1310A>C, p.Lys437Thr (NM_001350917.2, NM_001350918.2); short protein forms K366T, K662T, K807T, K853T, K437T.
Identifiers: ClinVar variation 3661037 (VCV003661037.2).

ClinVar aggregate classification (germline): Uncertain significance (1 of 4 stars; one submission).

Conditions:
Short-rib thoracic dysplasia 8 with or without polydactyly (SRTD8). Also called: SHORT-RIB THORACIC DYSPLASIA 8 WITH POLYDACTYLY. Identifiers: Orphanet 93271, MedGen C3809691, MONDO:0014214, OMIM 615503.

gnomAD v4.1: 1 of 1,609,522 alleles (0.000062%); highest among the groups gnomAD compares: Non-Finnish European, 0.000085%; no homozygotes.

Submission:

Labcorp Genetics (formerly Invitae), Labcorp
Classification: Uncertain significance for Short-rib thoracic dysplasia 8 with or without polydactyly. Last evaluated: 2024-07-31. Review status: criteria provided, single submitter. Criteria: Invitae Variant Classification Sherloc (09022015). Collection method: clinical testing. Allele origin: germline.
Comment: This sequence change replaces lysine, which is basic and polar, with threonine, which is neutral and polar, at codon 853 of the WDR60 protein (p.Lys853Thr). This variant is not present in population databases (gnomAD no frequency). This variant has not been reported in the literature in individuals affected with WDR60-related conditions. An algorithm developed to predict the effect of missense changes on protein structure and function (PolyPhen-2) suggests that this variant is likely to be tolerated. In summary, the available evidence is currently insufficient to determine the role of this variant in disease. Therefore, it has been classified as a Variant of Uncertain Significance.